The following is an entry in ClinVar:

ClinVar aggregate classification (germline): Likely pathogenic (1 of 4 stars; one submission).

Conditions:
Phenylketonuria (PKU). Also called: OLIGOPHRENIA PHENYLPYRUVICA; Phenylketonurias; Phenylketonuria (PKU); FOLLING DISEASE. Identifiers: Orphanet 716, MedGen C0031485, MONDO:0009861, OMIM 261600. Disease mechanism: loss of function.

Submission:

Labcorp Genetics (formerly Invitae), Labcorp
Classification: Likely pathogenic for Phenylketonuria. Last evaluated: 2022-10-08. Review status: criteria provided, single submitter. Criteria: Invitae Variant Classification Sherloc (09022015). Collection method: clinical testing. Allele origin: germline.
Comment: This variant is not present in population databases (gnomAD no frequency). This sequence change replaces threonine, which is neutral and polar, with isoleucine, which is neutral and non-polar, at codon 418 of the PAH protein (p.Thr418Ile). This variant has not been reported in the literature in individuals affected with PAH-related conditions. In summary, the currently available evidence indicates that the variant is pathogenic, but additional data are needed to prove that conclusively. Therefore, this variant has been classified as Likely Pathogenic. This variant disrupts the p.Thr418 amino acid residue in PAH. Other variant(s) that disrupt this residue have been determined to be pathogenic (PMID: 31355225; Invitae). This suggests that this residue is clinically significant, and that variants that disrupt this residue are likely to be disease-causing. Advanced modeling of protein sequence and biophysical properties (such as structural, functional, and spatial information, amino acid conservation, physicochemical variation, residue mobility, and thermodynamic stability) has been performed at Invitae for this missense variant, however the output from this modeling did not meet the statistical confidence thresholds required to predict the impact of this variant on PAH protein function. ClinVar contains an entry for this variant (Variation ID: 937913).

Literature cited by the submitters: PubMed 31355225.

NM_000277.3(PAH):c.1253C>T (p.Thr418Ile)

Gene: PAH (phenylalanine hydroxylase; minus strand). Cytogenetic location: 12q23.2.
Variant type: single nucleotide variant.
Coding change: c.1253C>T on transcript NM_000277.3 (MANE Select); coding-DNA position 1253, C replaced by T.
Protein change: p.Thr418Ile; replaces threonine 418 with isoleucine.
Molecular consequence: missense variant.
Genome position (GRCh38, 1-based): chr12:102,840,462, G>A on the plus strand (C>T on the coding strand, the complement: PAH is on the minus strand). VCF-style: chr12-102840462-G-A. GRCh37 (hg19) VCF-style: chr12-103234240-G-A.
Other names: c.1253C>T, p.Thr418Ile (NM_001354304.2); short protein forms T418I.
Identifiers: ClinVar variation 937913 (VCV000937913.9), dbSNP rs1874539947, ClinGen allele CA386493037.
Genomic context (GRCh38, chr12:102,840,462, plus strand): 5'-TTAATGGAATCAGCCAAAATCTTAAGCTGCTGGGTATTGTCCAAGACCTCAATCCTTTGG[G>A]TGTATGGGTCGTAGCGAACTGAGAAGGGCCGAGGTATTGTGGCAGCAAAGTTCCTAAGAC-3'
Protein context (NP_000268.1, residues 408-428): RPFSVRYDPY[Thr418Ile]QRIEVLDNTQ